The following is an entry in ClinVar:

NM_000069.3(CACNA1S):c.4542A>G (p.Gly1514=)

Gene: CACNA1S (calcium voltage-gated channel subunit alpha1 S; minus strand). Cytogenetic location: 1q32.1.
Variant type: single nucleotide variant.
Coding change: c.4542A>G on transcript NM_000069.3 (MANE Select); coding-DNA position 4542, A replaced by G.
Protein change: p.Gly1514=; no amino-acid change (glycine 1514 retained).
Molecular consequence: synonymous variant.
Genome position (GRCh38, 1-based): chr1:201,047,526, T>C on the plus strand (A>G on the coding strand, the complement: CACNA1S is on the minus strand). VCF-style: chr1-201047526-T-C. GRCh37 (hg19) VCF-style: chr1-201016654-T-C.
Identifiers: ClinVar variation 982717 (VCV000982717.2), dbSNP rs759053094, ClinGen allele CA083415.
Genomic context (GRCh38, chr1:201,047,526, plus strand): 5'-GCTCCCCACTCCCATTCCTTGGCTGCTTCTGGACTCTGGTCCCCCAAAGTAGCACCTACC[T>C]CCTATTGGAGGGATGACCTGGTCCAAGAGCTTCATGCTGGTTCTCTTCCAGATCTTCTTG-3'
Protein context (NP_000060.2, residues 1504-1524): KLLDQVIPPI[Gly1514=]DDEVTVGKFY

ClinVar aggregate classification (germline): Uncertain significance. Review status: criteria provided, multiple submitters, no conflicts (2 of 4 stars). 2 submissions from 2 submitters: Uncertain significance (2). Last evaluated 2025-09-11.

Conditions:
Malignant hyperthermia, susceptibility to, 5 (MHS5). Also called: CACNA1S-Related Malignant Hyperthermia Susceptibility. Identifiers: Orphanet 423, MedGen C1866077, MONDO:0011163, OMIM 601887.
Hypokalemic periodic paralysis, type 1. Also called: HypoPP; Hypokalemic Periodic Paralysis Type 1 (AD). Identifiers: Orphanet 681, MedGen C3714580, MONDO:0042979, OMIM 170400.

Allele frequency attached by ClinVar (database versions not stated): gnomAD exomes below 0.00001; ExAC 0.00001.
gnomAD v4.1: 4 of 1,612,376 alleles (0.00025%); highest among the groups gnomAD compares: Non-Finnish European, 0.00025%; no homozygotes.

Submissions (2):

Color Diagnostics, LLC DBA Color Health
Classification: Uncertain significance for Malignant hyperthermia, susceptibility to, 5. Last evaluated: 2025-09-11. Review status: criteria provided, single submitter. Criteria: ACMG Guidelines, 2015. Collection method: clinical testing. Allele origin: germline.
Comment: This variant is located in the CACNA1S protein. To our knowledge, functional studies have not been reported for this variant. This variant has not been reported in individuals affected with CACNA1S-related disorders in the literature. This variant has been identified in 1/251380 chromosomes in the general population by the Genome Aggregation Database (gnomAD). The available evidence is insufficient to determine the role of this variant in disease conclusively. Therefore, this variant is classified as a Variant of Uncertain Significance.

Institute of Human Genetics, University of Leipzig Medical Center
Classification: Uncertain significance for Hypokalemic periodic paralysis, type 1. Last evaluated: 2019-01-01. Review status: criteria provided, single submitter. Criteria: ACMG Guidelines, 2015. Collection method: clinical testing. Allele origin: unknown. Affected: yes.